The following is an entry in ClinVar:

NM_000455.5(STK11):c.744CAC[1] (p.Thr250del)

Gene: STK11 (serine/threonine kinase 11; plus strand). Cytogenetic location: 19p13.3.
Variant type: Microsatellite.
Coding change: c.744CAC[1] on transcript NM_000455.5 (MANE Select); one copy of the 3-base unit CAC starting at c.744; the reference has two copies in a row; one copy, 3 bases deleted.
Protein change: p.Thr250del; deletes threonine 250.
Molecular consequence: inframe deletion. On other transcripts: inframe indel (2), non-coding transcript variant (1).
Genome position (GRCh38, 1-based): chr19:1,221,225-1,221,227, CAC deleted; deleting any 3 consecutive bases within chr19:1,221,222-1,221,227 gives the same sequence; the position shown is the placement nearest the transcript's 3' end. VCF-style (leftmost placement, unchanged base first): chr19-1221221-TCAC-T. GRCh37 (hg19) VCF-style: chr19-1221220-TCAC-T.
Other names: c.747_749delCAC (NM_000455.4); c.744_746CAC[1], p.Thr250del (NM_000455.4); c.744CAC[1], p.Thr250del (NM_001407255.1); short protein forms T250del.
Identifiers: ClinVar variation 4865201 (VCV004865201.1).

ClinVar aggregate classification (germline): Likely pathogenic (1 of 4 stars; one submission).

Conditions:
Hereditary cancer-predisposing syndrome. Also called: Neoplastic Syndromes, Hereditary; Tumor predisposition; Hereditary Cancer Syndrome; Hereditary neoplastic syndrome. Identifiers: Orphanet 140162, MedGen C0027672, MeSH D009386, MONDO:0015356.

Submission:

Ambry Genetics
Classification: Likely pathogenic for Hereditary cancer-predisposing syndrome. Last evaluated: 2026-03-25. Review status: criteria provided, single submitter. Criteria: Ambry Variant Classification Scheme 2023. Collection method: clinical testing. Allele origin: germline.
Comment: The c.747_749delCAC variant (also known as p.T250del) is located in coding exon 6 of the STK11 gene. This variant results from an in-frame CAC deletion at nucleotide positions 747 to 749. This results in the in-frame deletion of a threonine at codon 250. This variant was reported in individual(s) with features consistent with Peutz-Jeghers syndrome(De Rosa M et al. Gastroenterology, 2010 Jun;138:2558-60; Ambry internal data). This amino acid position is highly conserved in available vertebrate species and the impacted region is critical for protein function (Ambry internal data). In addition, this variant is predicted to be deleterious by in silico analysis (Choi Y et al. PLoS ONE. 2012; 7(10):e46688). As such, this variant is classified as likely pathogenic.

Literature cited by the submitters: PubMed 20435009.